The following is an entry in ClinVar:

NM_000124.4(ERCC6):c.1014_1015del (p.Arg338fs)

Gene: ERCC6 (ERCC excision repair 6, chromatin remodeling factor; minus strand). Cytogenetic location: 10q11.23.
Variant type: Deletion.
Coding change: c.1014_1015del on transcript NM_000124.4 (MANE Select); coding-DNA positions 1014 to 1015, 2 bases deleted (GG; older notation c.1014_1015delGG).
Protein change: p.Arg338fs; shifts the reading frame from arginine 338.
Molecular consequence: frameshift variant.
Genome position (GRCh38, 1-based): chr10:49,524,415-49,524,416, CC deleted on the plus strand (GG on the coding strand, the reverse complement: ERCC6 is on the minus strand); deleting any 2 consecutive bases within chr10:49,524,415-49,524,417 gives the same sequence; the c. name uses the placement nearest the transcript's 3' end. VCF-style (leftmost placement, unchanged base first): chr10-49524414-GCC-G. GRCh37 (hg19) VCF-style: chr10-50732460-GCC-G.
Other names: c.1014_1015del, p.Arg338fs (NM_001277058.2, NM_001277059.2, NM_001346440.2); short protein forms R338fs.
Identifiers: ClinVar variation 4762799 (VCV004762799.1).

ClinVar aggregate classification (germline): Pathogenic (1 of 4 stars; one submission).

Submission:

Labcorp Genetics (formerly Invitae), Labcorp
Classification: Pathogenic. Last evaluated: 2025-10-29. Review status: criteria provided, single submitter. Criteria: Invitae Variant Classification Sherloc (09022015). Collection method: clinical testing. Allele origin: germline.
Comment: This sequence change creates a premature translational stop signal (p.Arg338Serfs*30) in the ERCC6 gene. It is expected to result in an absent or disrupted protein product. Loss-of-function variants in ERCC6 are known to be pathogenic (PMID: 18628313, 29572252). This variant is not present in population databases (gnomAD no frequency). This variant has not been reported in the literature in individuals affected with ERCC6-related conditions. For these reasons, this variant has been classified as Pathogenic.

Literature cited by the submitters: PubMed 18628313; PubMed 29572252.